The following is an entry in ClinVar:

ClinVar aggregate classification (germline): Uncertain significance (1 of 4 stars; one submission).

Conditions:
Rubinstein-Taybi syndrome due to EP300 haploinsufficiency. Also called: EP300-Related Rubinstein-Taybi Syndrome; RUBINSTEIN-TAYBI SYNDROME 2. Identifiers: Orphanet 353284, Orphanet 783, MedGen C3150941, MONDO:0013364, OMIM 613684.

Submission:

Labcorp Genetics (formerly Invitae), Labcorp
Classification: Uncertain significance for Rubinstein-Taybi syndrome due to EP300 haploinsufficiency. Last evaluated: 2025-06-10. Review status: criteria provided, single submitter. Criteria: Invitae Variant Classification Sherloc (09022015). Collection method: clinical testing. Allele origin: germline.
Comment: This sequence change replaces glutamine, which is neutral and polar, with glutamic acid, which is acidic and polar, at codon 2167 of the EP300 protein (p.Gln2167Glu). This variant is not present in population databases (gnomAD no frequency). This variant has not been reported in the literature in individuals affected with EP300-related conditions. Invitae Evidence Modeling of protein sequence and biophysical properties (such as structural, functional, and spatial information, amino acid conservation, physicochemical variation, residue mobility, and thermodynamic stability) indicates that this missense variant is not expected to disrupt EP300 protein function with a negative predictive value of 80%. In summary, the available evidence is currently insufficient to determine the role of this variant in disease. Therefore, it has been classified as a Variant of Uncertain Significance.

NM_001429.4(EP300):c.6499C>G (p.Gln2167Glu)

Gene: EP300 (EP300 lysine acetyltransferase; plus strand). Cytogenetic location: 22q13.2.
Variant type: single nucleotide variant.
Coding change: c.6499C>G on transcript NM_001429.4 (MANE Select); coding-DNA position 6499, C replaced by G.
Protein change: p.Gln2167Glu; replaces glutamine 2167 with glutamic acid.
Molecular consequence: missense variant.
Genome position (GRCh38, 1-based): chr22:41,178,210, C>G. VCF-style: chr22-41178210-C-G. GRCh37 (hg19) VCF-style: chr22-41574214-C-G.
Other names: c.6421C>G, p.Gln2141Glu (NM_001362843.2); short protein forms Q2141E, Q2167E.
Identifiers: ClinVar variation 4780201 (VCV004780201.1).
Genomic context (GRCh38, chr22:41,178,210, plus strand): 5'-CAGCAGCAACCACAGCAGCAACTCCAGCCACCCATGGGAGGGATGAGCCCCCAGGCTCAG[C>G]AGATGAACATGAACCACAACACCATGCCTTCACAATTCCGAGACATCTTGAGACGACAGC-3'
Protein context (NP_001420.2, residues 2157-2177): PMGGMSPQAQ[Gln2167Glu]MNMNHNTMPS